The following is an entry in ClinVar:

ClinVar aggregate classification (germline): Conflicting classifications of pathogenicity. Review status: criteria provided, conflicting classifications (1 of 4 stars). 3 submissions from 3 submitters: Likely pathogenic (1); Uncertain significance (1). 1 of the submissions does not count toward it. Last evaluated 2023-09-12.

Conditions:
Charcot-Marie-Tooth disease. Also called: Charcot-Marie-Tooth Neuropathy; Charcot-Marie-Tooth Hereditary Neuropathy. Identifiers: Orphanet 166, MedGen C0007959, MONDO:0015626.
Charcot-Marie-Tooth Neuropathy X. Identifiers: MedGen CN118851.

Submissions (3):

Labcorp Genetics (formerly Invitae), Labcorp
Classification: Uncertain significance for Charcot-Marie-Tooth Neuropathy X. Last evaluated: 2023-09-12. Review status: criteria provided, single submitter. Criteria: Invitae Variant Classification Sherloc (09022015). Collection method: clinical testing. Allele origin: germline.
Comment: Advanced modeling of protein sequence and biophysical properties (such as structural, functional, and spatial information, amino acid conservation, physicochemical variation, residue mobility, and thermodynamic stability) performed at Invitae indicates that this missense variant is expected to disrupt GJB1 protein function. This variant disrupts the p.Gly59 amino acid residue in GJB1. Other variant(s) that disrupt this residue have been observed in individuals with GJB1-related conditions (PMID: 10093067), which suggests that this may be a clinically significant amino acid residue. In summary, the available evidence is currently insufficient to determine the role of this variant in disease. Therefore, it has been classified as a Variant of Uncertain Significance. ClinVar contains an entry for this variant (Variation ID: 447427). This sequence change replaces glycine, which is neutral and non-polar, with arginine, which is basic and polar, at codon 59 of the GJB1 protein (p.Gly59Arg). This variant is not present in population databases (gnomAD no frequency). This missense change has been observed in individual(s) with Charcot-Marie Tooth disease, type X (PMID: 10894999).

Athena Diagnostics
Classification: Likely pathogenic. Last evaluated: 2018-12-27. Review status: criteria provided, single submitter. Criteria: Athena Diagnostics Criteria. Collection method: clinical testing. Allele origin: germline.
Comment: Not found in the total gnomAD dataset, and the data is high quality (0/199642 chr). Found in at least one symptomatic patient. Predicted to have a damaging effect on the protein. Moderate co-segregation with disease in multiple families, but using affected individuals only.

Inherited Neuropathy Consortium
Classification: Uncertain significance for Charcot-Marie-Tooth disease. Review status: no assertion criteria provided. Collection method: literature only. Allele origin: germline. Affected: yes. Not counted in ClinVar's aggregate classification.

Literature cited by the submitters: PubMed 10093067 (cited by Labcorp Genetics (formerly Invitae), Labcorp); PubMed 10894999 (cited by 3 submitters).

NM_000166.6(GJB1):c.175G>C (p.Gly59Arg)

Gene: GJB1 (gap junction protein beta 1; plus strand). Cytogenetic location: Xq13.1.
Variant type: single nucleotide variant.
Coding change: c.175G>C on transcript NM_000166.6 (MANE Select); coding-DNA position 175, G replaced by C.
Protein change: p.Gly59Arg; replaces glycine 59 with arginine.
Molecular consequence: missense variant.
Genome position (GRCh38, 1-based): chrX:71,223,882, G>C. VCF-style: chrX-71223882-G-C. GRCh37 (hg19) VCF-style: chrX-70443732-G-C.
Other names: c.175G>C, p.Gly59Arg (NM_001097642.3); short protein forms G59R.
Identifiers: ClinVar variation 447427 (VCV000447427.11), dbSNP rs1555937077, ClinGen allele CA413501278.
Genomic context (GRCh38, chrX:71,223,882, plus strand): 5'-GCTGCAGAGAGTGTGTGGGGTGATGAGAAATCTTCCTTCATCTGCAACACACTCCAGCCT[G>C]GCTGCAACAGCGTTTGCTATGACCAATTCTTCCCCATCTCCCATGTGCGGCTGTGGTCCC-3'
Protein context (NP_000157.1, residues 49-69): SSFICNTLQP[Gly59Arg]CNSVCYDQFF